The following is an entry in ClinVar:

NM_000492.4(CFTR):c.3002_3003del (p.Val1001fs)

Genes: CFTR (CF transmembrane conductance regulator; plus strand), CFTR-AS2 (CFTR antisense RNA 2; minus strand), LOC111674472 (DNase I hypersensitive sites in introns 16 and 17a of CFTR; plus strand). Cytogenetic location: 7q31.2.
Variant type: Microsatellite.
Coding change: c.3002_3003del on transcript NM_000492.4 (MANE Select); coding-DNA positions 3002 to 3003, 2 bases deleted (TG; older notation c.3002_3003delTG).
Protein change: p.Val1001fs; shifts the reading frame from valine 1001.
Molecular consequence: frameshift variant.
Genome position (GRCh38, 1-based): chr7:117,610,532-117,610,533, TG deleted; deleting any 2 consecutive bases within chr7:117,610,530-117,610,533 gives the same sequence; the c. name uses the placement nearest the transcript's 3' end. VCF-style (leftmost placement, unchanged base first): chr7-117610529-TTG-T. GRCh37 (hg19) VCF-style: chr7-117250583-TTG-T.
Other names: 3132delTG; c.3002_3003delTG (NM_000492.3); c.3002_3003del (NM_000492.3); short protein forms V1001fs.
Identifiers: ClinVar variation 53623 (VCV000053623.7), dbSNP rs397508477, ClinGen allele CA327007.

ClinVar aggregate classification (germline): Pathogenic. Review status: reviewed by expert panel (3 of 4 stars). 5 submissions from 5 submitters: Pathogenic (1). 4 of the submissions do not count toward it. Last evaluated 2017-03-17.

Conditions:
CFTR-related disorder (CFTR-RD). Also called: CFTR-related disorders; CFTR-related condition. Identifiers: MedGen C5924204, MONDO:7770004.
Cystic fibrosis (CF). Also called: MUCOVISCIDOSIS. Identifiers: Orphanet 586, MedGen C0010674, MONDO:0009061, OMIM 219700. Disease mechanism: loss of function.

Submissions (5):

CFTR2
Classification: Pathogenic for Cystic fibrosis. Last evaluated: 2017-03-17. Review status: reviewed by expert panel. Criteria: Sosnay PR et al. (Nat Genet 2013). Collection method: research. Allele origin: germline. Affected: yes. Study: CFTR2.

Mendelics
Classification: Pathogenic for Cystic fibrosis. Last evaluated: 2018-11-05. Review status: criteria provided, single submitter. Criteria: Mendelics Assertion Criteria 2017. Collection method: clinical testing. Allele origin: unknown. Affected: yes. Not counted in ClinVar's aggregate classification.

Ambry Genetics
Classification: Pathogenic for Cystic fibrosis. Last evaluated: 2014-09-10. Review status: criteria provided, single submitter. Criteria: Ambry Variant Classification Scheme 2023. Collection method: clinical testing. Allele origin: germline. Not counted in ClinVar's aggregate classification.
Comment: The c.3002_3003delTG pathogenic mutation (also known as 3132delTG), located in coding exon 19 of the CFTR gene, results from a deletion of two nucleotides between nucleotide positions 3002 and 3003, causing a translational frameshift with a predicted alternate stop codon (V1001Dfs*45). This pathogenic mutation was first identified in two individuals with cystic fibrosis and pancreatic insufficiency (PI); one individual also carried deltaF508 and the other did not have a second mutation identified (Bonizzato A et al. Hum Genet. 1995;95(4):397-402). In addition to the clinical data available in the literature, since frameshifts are typically deleterious in nature, this alteration is interpreted as a disease-causing mutation (ACMG Recommendations for Standards for Interpretation and Reporting of Sequence Variations. Revision 2007. Genet Med. 2008;10:294).

Counsyl
Classification: Pathogenic for Cystic fibrosis. Last evaluated: 2018-01-16. Review status: no assertion criteria provided. Collection method: clinical testing. Allele origin: unknown. Not counted in ClinVar's aggregate classification.

Natera, Inc.
Classification: Pathogenic for CFTR-related disorders. Last evaluated: 2017-03-17. Review status: no assertion criteria provided. Collection method: clinical testing. Allele origin: germline. Not counted in ClinVar's aggregate classification.

Literature cited by the submitters: PubMed 7535742 (cited by Ambry Genetics).